The following is an entry in ClinVar:

NM_032520.5(GNPTG):c.828_830dup (p.Ser277dup)

Gene: GNPTG (N-acetylglucosamine-1-phosphate transferase subunit gamma; plus strand). Cytogenetic location: 16p13.3.
Variant type: Duplication.
Coding change: c.828_830dup on transcript NM_032520.5 (MANE Select); coding-DNA positions 828 to 830, 3 bases duplicated (TTC; older notation c.828_830dupTTC).
Protein change: p.Ser277dup; duplicates serine 277.
Molecular consequence: inframe insertion.
Genome position (GRCh38, 1-based): chr16:1,363,001-1,363,003, TTC duplicated; duplicating any 3 consecutive bases within chr16:1,363,000-1,363,003 gives the same sequence; the c. name uses the placement nearest the transcript's 3' end. VCF-style (leftmost placement, unchanged base first): chr16-1362999-A-ACTT. GRCh37 (hg19) VCF-style: chr16-1413000-A-ACTT.
Other names: c.828_830dupTTC (NM_032520.4, NM_032520.5).
Identifiers: ClinVar variation 550656 (VCV000550656.3), dbSNP rs1555452152, ClinGen allele CA658824132.
Genomic context (GRCh38, chr16:1,362,999, plus strand): 5'-CCATCACACTCGCCACCTGTGGGTCCAGGTGAGGACTGGCCACCTGGTGTTTTGGCAGAA[A>ACTT]CTTCCAACTTGGAGCACTTGGGCCACGAGACGCCCAGAGCCAAGTCTCCAGAGCAGCTGC-3'

ClinVar aggregate classification (germline): Uncertain significance. Review status: criteria provided, single submitter (1 of 4 stars). 2 submissions from 2 submitters: Uncertain significance (1). 1 of the submissions does not count toward it. Last evaluated 2026-01-13.

Conditions:
GNPTG-mucolipidosis. Also called: ML III GAMMA; ML IIIC; Mucolipidosis type III gamma; MUCOLIPIDOSIS III, COMPLEMENTATION GROUP C; MUCOLIPIDOSIS III, IRANIAN VARIANT FORM; MUCOLIPIDOSIS III, VARIANT FORM. Identifiers: Orphanet 423470, Orphanet 577, MedGen C1854896, MONDO:0009652, OMIM 252605.

Submissions (2):

Women's Health and Genetics/Laboratory Corporation of America, LabCorp
Classification: Uncertain significance. Last evaluated: 2026-01-13. Review status: criteria provided, single submitter. Criteria: LabCorp Variant Classification Summary - May 2015. Collection method: clinical testing. Allele origin: germline.
Comment: Variant summary: GNPTG c.828_830dupTTC (p.Ser277dup) results in an in-frame duplication that is predicted to duplicate one amino acid into the encoded protein. The variant was absent in 251368 control chromosomes (gnomAD). The available data on variant occurrences in the general population are insufficient to allow any conclusion about variant significance. To our knowledge, no occurrence of c.828_830dupTTC in individuals affected with GNPTG-related conditions and no experimental evidence demonstrating its impact on protein function have been reported. ClinVar contains an entry for this variant (Variation ID: 550656). Based on the evidence outlined above, the variant was classified as uncertain significance.

Counsyl
Classification: Uncertain significance for GNPTG-mucolipidosis. Last evaluated: 2017-02-07. Review status: no assertion criteria provided. Collection method: clinical testing. Allele origin: unknown. Not counted in ClinVar's aggregate classification.